The following is an entry in ClinVar:

ClinVar aggregate classification (germline): Pathogenic. Review status: reviewed by expert panel (3 of 4 stars). 2 submissions from 2 submitters: Pathogenic (1). 1 of the submissions does not count toward it. Last evaluated 2016-10-18.

Conditions:
Breast-ovarian cancer, familial, susceptibility to, 2 (BROVCA2). Also called: BRCA2 Hereditary Breast and Ovarian Cancer. Identifiers: Orphanet 145, MedGen C2675520, MONDO:0012933, OMIM 612555. Disease mechanism: loss of function.

Submissions (2):

Evidence-based Network for the Interpretation of Germline Mutant Alleles (ENIGMA)
Classification: Pathogenic for Breast-ovarian cancer, familial, susceptibility to, 2. Last evaluated: 2016-10-18. Review status: reviewed by expert panel. Criteria: ENIGMA BRCA1/2 Classification Criteria (2015). Collection method: curation. Allele origin: germline.
Comment: Variant allele predicted to encode a truncated non-functional protein.

Consortium of Investigators of Modifiers of BRCA1/2 (CIMBA), c/o University of Cambridge
Classification: Pathogenic for Breast-ovarian cancer, familial, susceptibility to, 2. Last evaluated: 2015-10-02. Review status: criteria provided, single submitter. Criteria: CIMBA Mutation Classification guidelines May 2016. Collection method: clinical testing. Allele origin: germline. Not counted in ClinVar's aggregate classification.

NM_000059.4(BRCA2):c.3741del (p.Ser1248fs)

Gene: BRCA2 (BRCA2 DNA repair associated; plus strand). Cytogenetic location: 13q13.1.
Variant type: Deletion.
Coding change: c.3741del on transcript NM_000059.4 (MANE Select); coding-DNA position 3741, one base deleted (T; older notation c.3741delT).
Protein change: p.Ser1248fs; shifts the reading frame from serine 1248.
Molecular consequence: frameshift variant.
Genome position (GRCh38, 1-based): chr13:32,338,096, T deleted; the last of 2 consecutive T bases (chr13:32,338,095-32,338,096); deleting either gives the same sequence. VCF-style (leftmost placement, unchanged base first): chr13-32338094-AT-A. GRCh37 (hg19) VCF-style: chr13-32912231-AT-A.
Other names: 3969delT; short protein forms S1248fs.
Identifiers: ClinVar variation 266771 (VCV000266771.7), dbSNP rs886040495, ClinGen allele CA10589221.